The following is an entry in ClinVar:

ClinVar aggregate classification (germline): Uncertain significance (1 of 4 stars; one submission).

Conditions:
Early-onset Parkinson disease 20. Also called: PARKINSON DISEASE 20, AUTOSOMAL RECESSIVE EARLY-ONSET. Identifiers: Orphanet 391411, MedGen C3809824, MONDO:0014233, OMIM 615530.
Developmental and epileptic encephalopathy, 53. Also called: Epileptic encephalopathy, early infantile, 53. Identifiers: MedGen C4479313, MONDO:0033362, OMIM 617389.

Allele frequency attached by ClinVar (database versions not stated): gnomAD exomes below 0.00001; ExAC 0.00001.
gnomAD v4.1: 1 of 1,614,152 alleles (0.000062%); highest among the groups gnomAD compares: Non-Finnish European, 0.000085%; no homozygotes.

Submission:

Labcorp Genetics (formerly Invitae), Labcorp
Classification: Uncertain significance for Developmental and epileptic encephalopathy, 53; Early-onset Parkinson disease 20. Last evaluated: 2019-08-23. Review status: criteria provided, single submitter. Criteria: Invitae Variant Classification Sherloc (09022015). Collection method: clinical testing. Allele origin: germline.
Comment: This sequence change replaces histidine with glutamine at codon 50 of the SYNJ1 protein (p.His50Gln). The histidine residue is moderately conserved and there is a small physicochemical difference between histidine and glutamine. This variant is present in population databases (rs750372776, ExAC 0.001%). This variant has not been reported in the literature in individuals with SYNJ1-related conditions. Algorithms developed to predict the effect of missense changes on protein structure and function output the following: SIFT: "Tolerated"; PolyPhen-2: "Benign"; Align-GVGD: "Class C0". The glutamine amino acid residue is found in multiple mammalian species, suggesting that this missense change does not adversely affect protein function. These predictions have not been confirmed by published functional studies and their clinical significance is uncertain. Algorithms developed to predict the effect of sequence changes on RNA splicing suggest that this variant may create or strengthen a splice site, but this prediction has not been confirmed by published transcriptional studies. In summary, the available evidence is currently insufficient to determine the role of this variant in disease. Therefore, it has been classified as a Variant of Uncertain Significance.

NM_203446.3(SYNJ1):c.33C>G (p.His11Gln)

Gene: SYNJ1 (synaptojanin 1; minus strand). Cytogenetic location: 21q22.11.
Variant type: single nucleotide variant.
Coding change: c.33C>G on transcript NM_203446.3 (MANE Select); coding-DNA position 33, C replaced by G.
Protein change: p.His11Gln; replaces histidine 11 with glutamine.
Molecular consequence: missense variant.
Genome position (GRCh38, 1-based): chr21:32,726,863, G>C on the plus strand (C>G on the coding strand, the complement: SYNJ1 is on the minus strand). VCF-style: chr21-32726863-G-C. GRCh37 (hg19) VCF-style: chr21-34099174-G-C.
Other names: c.33C>G, p.His11Gln (NM_001160302.2, NM_001160306.2); c.150C>G, p.His50Gln (NM_003895.4); short protein forms H50Q, H11Q.
Identifiers: ClinVar variation 940698 (VCV000940698.10), dbSNP rs750372776, ClinGen allele CA10004228.